The following is an entry in ClinVar:

ClinVar aggregate classification (germline): Conflicting classifications of pathogenicity. Review status: criteria provided, conflicting classifications (1 of 4 stars). 3 submissions from 3 submitters: Uncertain significance (2); Likely benign (1). Last evaluated 2025-12-03.

Conditions:
Cardiovascular phenotype. Identifiers: MedGen CN230736.
Familial hypobetalipoproteinemia 1. Also called: Hypobetalipoproteinemia, normotriglyceridemic; Acanthocytosis with hypobetalipoproteinemia; APOB-Related Familial Hypobetalipoproteinemia. Identifiers: MedGen C4551990, MONDO:0014252, OMIM 615558.
Hypercholesterolemia, autosomal dominant, type B (FHCL2). Also called: Familial hypercholesterolemia 2; Familial Hypercholesterolemia Type B; APOLIPOPROTEIN B-100, FAMILIAL DEFECTIVE; APOLIPOPROTEIN B-100, FAMILIAL LIGAND-DEFECTIVE; HYPERCHOLESTEROLEMIA, FAMILIAL, DUE TO LIGAND-DEFECTIVE APOLIPOPROTEIN B; Hyperlipoproteinemia Type IIb. Identifiers: MedGen C1704417, MONDO:0007751, OMIM 144010.

gnomAD v4.1: 7 of 1,613,946 alleles (0.00043%); highest among the groups gnomAD compares: Non-Finnish European, 0.00051%; no homozygotes.

Submissions (3):

Labcorp Genetics (formerly Invitae), Labcorp
Classification: Likely benign for Familial hypobetalipoproteinemia 1; Hypercholesterolemia, autosomal dominant, type B. Last evaluated: 2025-12-03. Review status: criteria provided, single submitter. Criteria: Invitae Variant Classification Sherloc (09022015). Collection method: clinical testing. Allele origin: germline.

Ambry Genetics
Classification: Uncertain significance for Cardiovascular phenotype. Last evaluated: 2024-09-08. Review status: criteria provided, single submitter. Criteria: Ambry Variant Classification Scheme 2023. Collection method: clinical testing. Allele origin: germline.
Comment: The p.G3157D variant (also known as c.9470G>A), located in coding exon 26 of the APOB gene, results from a G to A substitution at nucleotide position 9470. The glycine at codon 3157 is replaced by aspartic acid, an amino acid with similar properties. This amino acid position is conserved. In addition, the in silico prediction for this alteration is inconclusive. Based on the available evidence, the clinical significance of this variant remains unclear.

GeneDx
Classification: Uncertain significance. Last evaluated: 2024-06-25. Review status: criteria provided, single submitter. Criteria: GeneDx Variant Classification Process June 2021. Collection method: clinical testing. Allele origin: germline. Affected: yes.
Comment: Has not been previously published as pathogenic or benign to our knowledge; Not observed at significant frequency in large population cohorts (gnomAD); In silico analysis supports that this missense variant has a deleterious effect on protein structure/function

NM_000384.3(APOB):c.9470G>A (p.Gly3157Asp)

Gene: APOB (apolipoprotein B; minus strand). Cytogenetic location: 2p24.1.
Variant type: single nucleotide variant.
Coding change: c.9470G>A on transcript NM_000384.3 (MANE Select); coding-DNA position 9470, G replaced by A.
Protein change: p.Gly3157Asp; replaces glycine 3157 with aspartic acid.
Molecular consequence: missense variant.
Genome position (GRCh38, 1-based): chr2:21,007,398, C>T on the plus strand (G>A on the coding strand, the complement: APOB is on the minus strand). VCF-style: chr2-21007398-C-T. GRCh37 (hg19) VCF-style: chr2-21230270-C-T.
Other names: short protein forms G3157D.
Identifiers: ClinVar variation 3392758 (VCV003392758.3).